The following is an entry in ClinVar:

ClinVar aggregate classification (germline): Uncertain significance (1 of 4 stars; one submission).

Conditions:
Leber congenital amaurosis 9 (LCA9). Also called: LCA 9; Amaurosis congenita of Leber, type 9; LCA9 Leber Congenital Amaurosis. Identifiers: Orphanet 65, MedGen C1837873, MONDO:0012056, OMIM 608553.

Allele frequency attached by ClinVar (database versions not stated): gnomAD exomes below 0.00001; ExAC 0.00001.
gnomAD v4.1: 1 of 1,606,508 alleles (0.000062%); highest among the groups gnomAD compares: Non-Finnish European, 0.000085%; no homozygotes.

Submission:

Labcorp Genetics (formerly Invitae), Labcorp
Classification: Uncertain significance for Leber congenital amaurosis 9. Last evaluated: 2019-07-30. Review status: criteria provided, single submitter. Criteria: Invitae Variant Classification Sherloc (09022015). Collection method: clinical testing. Allele origin: germline.
Comment: In summary, the available evidence is currently insufficient to determine the role of this variant in disease. Therefore, it has been classified as a Variant of Uncertain Significance. Nucleotide substitutions within the consensus splice site are a relatively common cause of aberrant splicing (PMID: 17576681, 9536098). Algorithms developed to predict the effect of sequence changes on RNA splicing suggest that this variant may disrupt the consensus splice site, but this prediction has not been confirmed by published transcriptional studies. Algorithms developed to predict the effect of missense changes on protein structure and function are either unavailable or do not agree on the potential impact of this missense change (SIFT: "Tolerated"; PolyPhen-2: "Possibly Damaging"; Align-GVGD: "Class C0"). This variant has not been reported in the literature in individuals with NMNAT1-related conditions. This variant is present in population databases (rs776968950, ExAC 0.002%). This sequence change replaces arginine with lysine at codon 100 of the NMNAT1 protein (p.Arg100Lys). The arginine residue is moderately conserved and there is a small physicochemical difference between arginine and lysine. This variant also falls at the last nucleotide of exon 3 of the NMNAT1 coding sequence, which is part of the consensus splice site for this exon.

Literature cited by the submitters: PubMed 17576681; PubMed 9536098.

NM_022787.4(NMNAT1):c.299G>A (p.Arg100Lys)

Gene: NMNAT1 (nicotinamide nucleotide adenylyltransferase 1; plus strand). Cytogenetic location: 1p36.22.
Variant type: single nucleotide variant.
Coding change: c.299G>A on transcript NM_022787.4 (MANE Select); coding-DNA position 299, G replaced by A.
Protein change: p.Arg100Lys; replaces arginine 100 with lysine.
Molecular consequence: missense variant.
Genome position (GRCh38, 1-based): chr1:9,975,775, G>A. VCF-style: chr1-9975775-G-A. GRCh37 (hg19) VCF-style: chr1-10035833-G-A.
Other names: c.299G>A, p.Arg100Lys (NM_001297778.1, NM_001297779.2); short protein forms R100K.
Identifiers: ClinVar variation 949997 (VCV000949997.9), dbSNP rs776968950, ClinGen allele CA579192.
Genomic context (GRCh38, chr1:9,975,775, plus strand): 5'-TGGAAGTTGATACATGGGAAAGTCTTCAGAAGGAGTGGAAAGAGACTCTGAAGGTGCTAA[G>A]GTATTTATGGTGTAATCAACTTTGTCAGTTCTGTGTAAATGGCTAAGCGGCTTATGTTTT-3'
Protein context (NP_073624.2, residues 90-110): KEWKETLKVL[Arg100Lys]HHQEKLEASD